The following is an entry in ClinVar:

NM_004655.4(AXIN2):c.1486G>A (p.Ala496Thr)

Gene: AXIN2 (axin 2; minus strand). Cytogenetic location: 17q24.1.
Variant type: single nucleotide variant.
Coding change: c.1486G>A on transcript NM_004655.4 (MANE Select); coding-DNA position 1486, G replaced by A.
Protein change: p.Ala496Thr; replaces alanine 496 with threonine.
Molecular consequence: missense variant.
Genome position (GRCh38, 1-based): chr17:65,537,550, C>T on the plus strand (G>A on the coding strand, the complement: AXIN2 is on the minus strand). VCF-style: chr17-65537550-C-T. GRCh37 (hg19) VCF-style: chr17-63533668-C-T.
Other names: c.1486G>A (LRG_296t1); c.1486G>A, p.Ala496Thr (NM_001363813.1); short protein forms A496T.
Identifiers: ClinVar variation 408826 (VCV000408826.17), dbSNP rs773033390, ClinGen allele CA8718634.

ClinVar aggregate classification (germline): Conflicting classifications of pathogenicity. Review status: criteria provided, conflicting classifications (1 of 4 stars). 4 submissions from 4 submitters: Uncertain significance (3); Likely benign (1). Last evaluated 2025-11-20.

Conditions:
Hereditary cancer-predisposing syndrome. Also called: Hereditary Cancer Syndrome; Hereditary neoplastic syndrome; Neoplastic Syndromes, Hereditary; Tumor predisposition. Identifiers: Orphanet 140162, MedGen C0027672, MeSH D009386, MONDO:0015356.
Oligodontia-cancer predisposition syndrome. Also called: TOOTH AGENESIS-COLORECTAL CANCER SYNDROME. Identifiers: Orphanet 300576, MedGen C1837750, MONDO:0012075, OMIM 608615. Disease mechanism: loss of function.

Allele frequency attached by ClinVar (database versions not stated): gnomAD exomes below 0.00001 and 0.00001; gnomAD 0.00001.
gnomAD v4.1: 9 of 1,612,508 alleles (0.00056%); highest among the groups gnomAD compares: East Asian, 0.013%; no homozygotes.

Submissions (4):

Labcorp Genetics (formerly Invitae), Labcorp
Classification: Uncertain significance for Oligodontia-cancer predisposition syndrome. Last evaluated: 2025-11-20. Review status: criteria provided, single submitter. Criteria: Invitae Variant Classification Sherloc (09022015). Collection method: clinical testing. Allele origin: germline.
Comment: This sequence change replaces alanine, which is neutral and non-polar, with threonine, which is neutral and polar, at codon 496 of the AXIN2 protein (p.Ala496Thr). This variant is present in population databases (rs773033390, gnomAD 0.0009%). This variant has not been reported in the literature in individuals affected with AXIN2-related conditions. ClinVar contains an entry for this variant (Variation ID: 408826). An algorithm developed to predict the effect of missense changes on protein structure and function outputs the following: PolyPhen-2: "Benign". The threonine amino acid residue is found in multiple mammalian species, which suggests that this missense change does not adversely affect protein function. In summary, the available evidence is currently insufficient to determine the role of this variant in disease. Therefore, it has been classified as a Variant of Uncertain Significance.

Ambry Genetics
Classification: Likely benign for Hereditary cancer-predisposing syndrome. Last evaluated: 2025-02-28. Review status: criteria provided, single submitter. Criteria: Ambry Variant Classification Scheme 2023. Collection method: clinical testing. Allele origin: germline.

Laboratorio de Genetica e Diagnostico Molecular, Hospital Israelita Albert Einstein
Classification: Uncertain significance for Oligodontia-cancer predisposition syndrome. Last evaluated: 2022-07-01. Review status: criteria provided, single submitter. Criteria: ACMG Guidelines, 2015. Collection method: clinical testing. Allele origin: germline. Affected: yes.
Comment: ACMG classification criteria: PM2 moderated, BP4 supporting

GeneDx
Classification: Uncertain significance. Last evaluated: 2019-10-07. Review status: criteria provided, single submitter. Criteria: GeneDx Variant Classification Process June 2021. Collection method: clinical testing. Allele origin: germline. Affected: yes.
Comment: Not observed at a significant frequency in large population cohorts (Lek 2016); In silico analysis, which includes protein predictors and evolutionary conservation, supports that this variant does not alter protein structure/function; Has not been previously published as pathogenic or benign to our knowledge